The following is an entry in ClinVar:

ClinVar aggregate classification (germline): Uncertain significance (1 of 4 stars; one submission).

Conditions:
Inborn genetic diseases. Identifiers: MedGen C0950123, MeSH D030342.

Submission:

Ambry Genetics
Classification: Uncertain significance for Inborn genetic diseases. Last evaluated: 2025-09-19. Review status: criteria provided, single submitter. Criteria: Ambry Variant Classification Scheme 2023. Collection method: clinical testing. Allele origin: germline.
Comment: The p.R19G variant (also known as c.55C>G), located in coding exon 1 of the SBDS gene, results from a C to G substitution at nucleotide position 55. The arginine at codon 19 is replaced by glycine, an amino acid with dissimilar properties. This amino acid position is conserved. In addition, this alteration is predicted to be deleterious by in silico analysis. Based on the available evidence, the clinical significance of this variant remains unclear.

NM_016038.4(SBDS):c.55C>G (p.Arg19Gly)

Gene: SBDS (SBDS ribosome maturation factor; minus strand). Cytogenetic location: 7q11.21.
Variant type: single nucleotide variant.
Coding change: c.55C>G on transcript NM_016038.4 (MANE Select); coding-DNA position 55, C replaced by G.
Protein change: p.Arg19Gly; replaces arginine 19 with glycine.
Molecular consequence: missense variant.
Genome position (GRCh38, 1-based): chr7:66,995,363, G>C on the plus strand (C>G on the coding strand, the complement: SBDS is on the minus strand). VCF-style: chr7-66995363-G-C. GRCh37 (hg19) VCF-style: chr7-66460350-G-C.
Other names: short protein forms R19G.
Identifiers: ClinVar variation 4630216 (VCV004630216.1).